The following is an entry in ClinVar:

ClinVar aggregate classification (germline): Conflicting classifications of pathogenicity. Review status: criteria provided, conflicting classifications (1 of 4 stars). 9 submissions from 9 submitters: Pathogenic (2); Likely pathogenic (5); Uncertain significance (1). 1 of the submissions does not count toward it. Last evaluated 2025-11-27.

Conditions:
DSG2-related disorders.
Arrhythmogenic right ventricular dysplasia 10. Also called: Arrhythmogenic Right Ventricular Dysplasia/Cardiomyopathy10; ARRHYTHMOGENIC RIGHT VENTRICULAR DYSPLASIA, FAMILIAL, 10; Arrhythmogenic right ventricular dysplasia/cardiomyopathy, type 10. Identifiers: MedGen C1857777, MONDO:0012434, OMIM 610193.
Dilated cardiomyopathy 1BB (CMD1BB). Also called: CARDIOMYOPATHY, DILATED, 1BB, SUSCEPTIBILITY TO. Identifiers: Orphanet 154, MedGen C2752072, MONDO:0013030, OMIM 612877.
Arrhythmogenic right ventricular cardiomyopathy (ARVD). Also called: Arrhythmogenic right ventricular dysplasia; Arrhythmogenic cardiomyopathy; Arrhythmogenic Right Ventricular Cardiomyopathy (ARVC); Cardiomyopathy, ARVC. Identifiers: Orphanet 247, MedGen C0349788, MeSH D019571, MONDO:0016587. Disease mechanism: loss of function. Inheritance: Various modes of inheritance.

Allele frequency attached by ClinVar (database versions not stated): gnomAD exomes below 0.00001.
gnomAD v4.1: 3 of 1,614,120 alleles (0.00019%); highest among the groups gnomAD compares: Non-Finnish European, 0.00025%; no homozygotes.

Submissions (9):

GeneDx
Classification: Likely pathogenic. Last evaluated: 2025-11-27. Review status: criteria provided, single submitter. Criteria: GeneDx Variant Classification Process June 2021. Collection method: clinical testing. Allele origin: germline. Affected: yes.
Comment: Variant, reported as c.915G>A (W305X) using alternate nomenclature, was observed in the compound heterozygous state with DSG2 p.(R48H) in an individual with ARVC, as well as in the heterozygous state in two unaffected relatives (PMID: 16773573); Observed in an individual with ARVC (PMID: 31386562); Not observed at significant frequency in large population cohorts (gnomAD); Nonsense variant predicted to result in protein truncation or nonsense mediated decay in a gene for which loss of function is a known mechanism of disease; This variant is associated with the following publications: (PMID: 20857253, 25525159, 20031617, 31402444, 16773573, 31386562, 33332384, 38740897)

CeGaT Center for Human Genetics Tuebingen
Classification: Pathogenic. Last evaluated: 2025-07-01. Review status: criteria provided, single submitter. Criteria: CeGaT Center For Human Genetics Tuebingen Variant Classification Criteria Version 2. Collection method: clinical testing. Allele origin: germline. Affected: yes. Observed: 1 variant allele.
Comment: DSG2: PVS1, PM2

Labcorp Genetics (formerly Invitae), Labcorp
Classification: Pathogenic for Arrhythmogenic right ventricular dysplasia 10. Last evaluated: 2025-04-17. Review status: criteria provided, single submitter. Criteria: Invitae Variant Classification Sherloc (09022015). Collection method: clinical testing. Allele origin: germline.
Comment: This sequence change creates a premature translational stop signal (p.Trp306*) in the DSG2 gene. It is expected to result in an absent or disrupted protein product. Loss-of-function variants in DSG2 are known to be pathogenic (PMID: 17105751, 31386562). This variant is not present in population databases (gnomAD no frequency). This premature translational stop signal has been observed in individual(s) with arrhythmogenic right ventricular dysplasia/cardiomyopathy (PMID: 16773573). This variant is also known as W305X. ClinVar contains an entry for this variant (Variation ID: 16811). For these reasons, this variant has been classified as Pathogenic.

Blueprint Genetics
Classification: Likely pathogenic for DSG2-related disorders. Last evaluated: 2024-11-15. Review status: criteria provided, single submitter. Criteria: ACMG Guidelines, 2015. Collection method: clinical testing. Allele origin: germline. Affected: yes. Observed: 1 variant allele.

KardioGenetik, Herz- und Diabeteszentrum NRW
Classification: Likely pathogenic for Arrhythmogenic right ventricular dysplasia 10. Last evaluated: 2024-03-14. Review status: criteria provided, single submitter. Criteria: ACMG Guidelines, 2015. Collection method: clinical testing. Allele origin: unknown. Affected: yes. Observed: 1 variant allele.
Comment: PVS1strong, PM2supp, PS4supp.

All of Us Research Program, National Institutes of Health
Classification: Uncertain significance for Arrhythmogenic right ventricular cardiomyopathy. Last evaluated: 2023-12-18. Review status: criteria provided, single submitter. Criteria: ACMG Guidelines, 2015. Collection method: clinical testing. Allele origin: germline. Inheritance: Autosomal dominant inheritance. Observed: 1 variant allele, 1 heterozygote.
Comment: This variant changes 1 nucleotide in exon 8 of the DSG2 gene, creating a premature translation stop signal. This variant is expected to result in an absent or non-functional protein product. This variant (referred to as c.915G>A, W305X) has been reported in an individual affected with arrhythmogenic right ventricular cardiomyopathy, who also carried another pathogenic variant in the DSG2 gene that could explain the observed phenotype (PMID: 16773573). This variant has been observed in the proband's unaffected mother and sister as well. This variant has not been identified in the general population by the Genome Aggregation Database (gnomAD). Although there is a suspicion for a pathogenic role, clinical relevance of loss-of-function DSC2 truncation and splice variants in autosomal dominant arrhythmogenic cardiomyopathy is not yet clearly established. The available evidence is insufficient to determine the role of this variant in disease conclusively. Therefore, this variant is classified as a Variant of Uncertain Significance.

This study involves interpretation of variants in research participants for the purpose of population health screening. Participant phenotype was not available at the time of variant classification. Additional details can be found in publication PMID: 35346344, PMCID: PMC8962531

MGZ Medical Genetics Center
Classification: Likely pathogenic for Arrhythmogenic right ventricular dysplasia 10. Last evaluated: 2021-12-28. Review status: criteria provided, single submitter. Criteria: ACMG Guidelines, 2015. Collection method: clinical testing. Allele origin: germline. Affected: yes. Observed: 2 variant alleles.
Comment: ACMG criteria applied: PVS1, PM2_SUP

Fulgent Genetics
Classification: Likely pathogenic for Arrhythmogenic right ventricular dysplasia 10; Dilated cardiomyopathy 1BB. Last evaluated: 2021-11-25. Review status: criteria provided, single submitter. Criteria: ACMG Guidelines, 2015. Collection method: clinical testing. Allele origin: unknown.

OMIM
Classification: Pathogenic for ARRHYTHMOGENIC RIGHT VENTRICULAR DYSPLASIA, FAMILIAL, 10. Last evaluated: 2006-07-01. Review status: no assertion criteria provided. Collection method: literature only. Allele origin: germline. Not counted in ClinVar's aggregate classification.

Literature cited by the submitters: PubMed 17105751 (cited by Labcorp Genetics (formerly Invitae), Labcorp); PubMed 31386562 (cited by Labcorp Genetics (formerly Invitae), Labcorp); PubMed 16773573 (cited by 3 submitters).

NM_001943.5(DSG2):c.918G>A (p.Trp306Ter)

Gene: DSG2 (desmoglein 2; plus strand). Cytogenetic location: 18q12.1.
Variant type: single nucleotide variant.
Coding change: c.918G>A on transcript NM_001943.5 (MANE Select); coding-DNA position 918, G replaced by A.
Protein change: p.Trp306Ter; replaces tryptophan 306 with a stop codon.
Molecular consequence: nonsense.
Genome position (GRCh38, 1-based): chr18:31,524,792, G>A. VCF-style: chr18-31524792-G-A. GRCh37 (hg19) VCF-style: chr18-29104755-G-A.
Other names: W305*; p.W306*:TGG>TGA; c.918G>A, p.Trp306Ter (LRG_397t1); short protein forms W306*.
Identifiers: ClinVar variation 16811 (VCV000016811.24), dbSNP rs121913007, ClinGen allele CA022354.